The following is an entry in ClinVar:

NM_032801.5(JAM3):c.745del (p.Val249fs)

Gene: JAM3 (junctional adhesion molecule 3; plus strand). Cytogenetic location: 11q25.
Variant type: Deletion.
Coding change: c.745del on transcript NM_032801.5 (MANE Select); coding-DNA position 745, one base deleted (G; older notation c.745delG).
Protein change: p.Val249fs; shifts the reading frame from valine 249.
Molecular consequence: frameshift variant.
Genome position (GRCh38, 1-based): chr11:134,148,579, G deleted; the last of 7 consecutive G bases (chr11:134,148,573-134,148,579); deleting any one gives the same sequence. VCF-style (leftmost placement, unchanged base first): chr11-134148572-TG-T. GRCh37 (hg19) VCF-style: chr11-134018467-TG-T.
Other names: c.592del, p.Val198fs (NM_001205329.2); short protein forms V198fs, V249fs.
Identifiers: ClinVar variation 1415485 (VCV001415485.6), dbSNP rs763250381, ClinGen allele CA477722812.
Genomic context (GRCh38, chr11:134,148,572, plus strand): 5'-GTATCATGGCTTCCACCAAACCTCCTTTTCTTCAGATGACCTGAACATTGGCGGAATTAT[TG>T]GGGGGGTTCTGGTTGTCCTTGCTGTACTGGCCCTGATCACGTTGGGCATCTGCTGTGCAT-3'

ClinVar aggregate classification (germline): Pathogenic (1 of 4 stars; one submission).

Submission:

Labcorp Genetics (formerly Invitae), Labcorp
Classification: Pathogenic. Last evaluated: 2021-10-25. Review status: criteria provided, single submitter. Criteria: Invitae Variant Classification Sherloc (09022015). Collection method: clinical testing. Allele origin: germline.
Comment: For these reasons, this variant has been classified as Pathogenic. This variant has not been reported in the literature in individuals affected with JAM3-related conditions. This variant is not present in population databases (ExAC no frequency). This sequence change creates a premature translational stop signal (p.Val249Phefs*10) in the JAM3 gene. It is expected to result in an absent or disrupted protein product. Loss-of-function variants in JAM3 are known to be pathogenic (PMID: 21109224, 23255084).

Literature cited by the submitters: PubMed 21109224; PubMed 23255084.